The following is an entry in ClinVar:

NM_016277.5(RAB23):c.555T>C (p.His185=)

Gene: RAB23 (RAB23, member RAS oncogene family; minus strand). Cytogenetic location: 6p12.1.
Variant type: single nucleotide variant.
Coding change: c.555T>C on transcript NM_016277.5 (MANE Select); coding-DNA position 555, T replaced by C.
Protein change: p.His185=; no amino-acid change (histidine 185 retained).
Molecular consequence: synonymous variant. On other transcripts: non-coding transcript variant (1).
Genome position (GRCh38, 1-based): chr6:57,193,861, A>G on the plus strand (T>C on the coding strand, the complement: RAB23 is on the minus strand). VCF-style: chr6-57193861-A-G. GRCh37 (hg19) VCF-style: chr6-57058659-A-G.
Other names: c.555T>C, p.His185= (NM_001278666.2, NM_001278667.2, NM_001278668.2 and 1 more transcripts); c.555T>C (NM_183227.2).
Identifiers: ClinVar variation 1109558 (VCV001109558.10), dbSNP rs765954442, ClinGen allele CA3873776.

ClinVar aggregate classification (germline): Likely benign. Review status: criteria provided, multiple submitters, no conflicts (2 of 4 stars). 2 submissions from 2 submitters: Likely benign (2). Last evaluated 2026-09-01.

Conditions:
Carpenter syndrome. Identifiers: Orphanet 65759, MedGen C1275078, MONDO:0019012.
RAB23-related disorder. Also called: RAB23-related condition.

Allele frequency attached by ClinVar (database versions not stated): gnomAD exomes below 0.00001 and 0.00001; ExAC 0.00001.
gnomAD v4.1: 6 of 1,612,952 alleles (0.00037%); highest among the groups gnomAD compares: Non-Finnish European, 0.00042%; no homozygotes.

Submissions (2):

PreventionGenetics, part of Exact Sciences
Classification: Likely benign for RAB23-related condition. Last evaluated: 2026-09-01. Review status: criteria provided, single submitter. Criteria: ACMG Guidelines, 2015. Collection method: clinical testing. Allele origin: germline.
Comment: This variant is classified as likely benign based on ACMG/AMP sequence variant interpretation guidelines (Richards et al. 2015 PMID: 25741868, with internal and published modifications).

Labcorp Genetics (formerly Invitae), Labcorp
Classification: Likely benign for Carpenter syndrome. Last evaluated: 2023-08-21. Review status: criteria provided, single submitter. Criteria: Invitae Variant Classification Sherloc (09022015). Collection method: clinical testing. Allele origin: germline.